The following is an entry in ClinVar:

ClinVar aggregate classification (germline): Uncertain significance (1 of 4 stars; one submission).

Conditions:
Hereditary cancer-predisposing syndrome. Also called: Neoplastic Syndromes, Hereditary; Tumor predisposition; Hereditary neoplastic syndrome; Hereditary Cancer Syndrome. Identifiers: Orphanet 140162, MedGen C0027672, MeSH D009386, MONDO:0015356.

Submission:

Ambry Genetics
Classification: Uncertain significance for Hereditary cancer-predisposing syndrome. Last evaluated: 2024-04-18. Review status: criteria provided, single submitter. Criteria: Ambry Variant Classification Scheme 2023. Collection method: clinical testing. Allele origin: germline.
Comment: The p.Y248H variant (also known as c.742T>C), located in coding exon 6 of the SMARCB1 gene, results from a T to C substitution at nucleotide position 742. The tyrosine at codon 248 is replaced by histidine, an amino acid with similar properties. This amino acid position is highly conserved in available vertebrate species. In addition, the in silico prediction for this alteration is inconclusive. Based on the available evidence, the clinical significance of this variant remains unclear.

NM_003073.5(SMARCB1):c.742T>C (p.Tyr248His)

Gene: SMARCB1 (SWI/SNF related BAF chromatin remodeling complex subunit B1; plus strand). Cytogenetic location: 22q11.23.
Variant type: single nucleotide variant.
Coding change: c.742T>C on transcript NM_003073.5 (MANE Select); coding-DNA position 742, T replaced by C.
Protein change: p.Tyr248His; replaces tyrosine 248 with histidine.
Molecular consequence: missense variant.
Genome position (GRCh38, 1-based): chr22:23,816,883, T>C. VCF-style: chr22-23816883-T-C. GRCh37 (hg19) VCF-style: chr22-24159070-T-C.
Other names: c.796T>C, p.Tyr266His (NM_001362877.2); c.715T>C, p.Tyr239His (NM_001007468.3); c.769T>C, p.Tyr257His (NM_001317946.2); short protein forms Y248H, Y239H, Y257H, Y266H.
Identifiers: ClinVar variation 3320805 (VCV003320805.1).